The following is an entry in ClinVar:

ClinVar aggregate classification (germline): Uncertain significance. Review status: criteria provided, multiple submitters, no conflicts (2 of 4 stars). 3 submissions from 3 submitters: Uncertain significance (3). Last evaluated 2025-12-21.

Conditions:
Inborn genetic diseases. Identifiers: MedGen C0950123, MeSH D030342.
Generalized epilepsy with febrile seizures plus, type 7 (GEFSP7). Also called: GEFS+, TYPE 7. Identifiers: Orphanet 36387, MedGen C2751778, MONDO:0013470, OMIM 613863.
Neuropathy, hereditary sensory and autonomic, type 2A (HSAN2A). Also called: HSAN IIA; MORVAN DISEASE; WNK1-Related HSAN2 (HSAN2A); NEUROPATHY, CONGENITAL SENSORY; NEUROPATHY, HEREDITARY SENSORY RADICULAR, AUTOSOMAL RECESSIVE; NEUROPATHY, HEREDITARY SENSORY, TYPE IIA. Identifiers: Orphanet 970, MedGen C2752089, MONDO:0024309, OMIM 201300.

Allele frequency attached by ClinVar (database versions not stated): gnomAD 0.00001; gnomAD exomes 0.00002 and 0.00005; TOPMed 0.00002; ExAC 0.00007.
gnomAD v4.1: 11 of 1,553,036 alleles (0.00071%); highest among the groups gnomAD compares: Admixed American, 0.023%; no homozygotes.

Submissions (3):

Labcorp Genetics (formerly Invitae), Labcorp
Classification: Uncertain significance for Neuropathy, hereditary sensory and autonomic, type 2A; Generalized epilepsy with febrile seizures plus, type 7. Last evaluated: 2025-12-21. Review status: criteria provided, single submitter. Criteria: Invitae Variant Classification Sherloc (09022015). Collection method: clinical testing. Allele origin: germline.
Comment: This sequence change falls in intron 23 of the SCN9A gene. It does not directly change the encoded amino acid sequence of the SCN9A protein. It affects a nucleotide within the consensus splice site. This variant is present in population databases (rs773953311, gnomAD 0.04%). This variant has not been reported in the literature in individuals affected with SCN9A-related conditions. ClinVar contains an entry for this variant (Variation ID: 436674). Variants that disrupt the consensus splice site are a relatively common cause of aberrant splicing (PMID: 17576681, 9536098). Algorithms developed to predict the effect of sequence changes on RNA splicing suggest that this variant is not likely to affect RNA splicing. In summary, the available evidence is currently insufficient to determine the role of this variant in disease. Therefore, it has been classified as a Variant of Uncertain Significance.

Ambry Genetics
Classification: Uncertain significance for Inborn genetic diseases. Last evaluated: 2022-02-01. Review status: criteria provided, single submitter. Criteria: Ambry Variant Classification Scheme 2023. Collection method: clinical testing. Allele origin: germline.
Comment: The c.4228-3T>C intronic variant results from a T to C substitution 3 nucleotides upstream from coding exon 23 in the SCN9A gene. This nucleotide position is not well conserved in available vertebrate species. In silico splice site analysis predicts that this alteration will not have any significant effect on splicing. Based on the supporting evidence, this variant is unlikely to be causative of primary erythermalgia/small fiber neuropathy and paroxysmal extreme pain disorder (PEPD); however, its contribution to the development of congenital insensitivity to pain (CIP) and hereditary sensory autonomic neuropathy type II (HSAN2D) is uncertain.

Genetic Services Laboratory, University of Chicago
Classification: Uncertain significance. Last evaluated: 2015-12-03. Review status: criteria provided, single submitter. Criteria: ACMG Guidelines, 2015. Collection method: clinical testing. Allele origin: germline. Affected: no.

Literature cited by the submitters: PubMed 17576681 (cited by Labcorp Genetics (formerly Invitae), Labcorp); PubMed 9536098 (cited by Labcorp Genetics (formerly Invitae), Labcorp).

NM_001365536.1(SCN9A):c.4261-3T>C

Genes: SCN9A (sodium voltage-gated channel alpha subunit 9; minus strand), SCN1A-AS1 (SCN1A and SCN9A antisense RNA 1; plus strand). Cytogenetic location: 2q24.3.
Variant type: single nucleotide variant.
Coding change: c.4261-3T>C on transcript NM_001365536.1 (MANE Select); 3 bases into the intron before coding-DNA position 4261, T replaced by C.
Molecular consequence: intron variant.
Genome position (GRCh38, 1-based): chr2:166,226,707, A>G on the plus strand (T>C on the coding strand, the complement: SCN9A is on the minus strand). VCF-style: chr2-166226707-A-G. GRCh37 (hg19) VCF-style: chr2-167083217-A-G.
Other names: c.4228-3T>C (NM_002977.4).
Identifiers: ClinVar variation 436674 (VCV000436674.15), dbSNP rs773953311, ClinGen allele CA1943903.
Genomic context (GRCh38, chr2:166,226,707, plus strand): 5'-AGACGACAAAATAAATATACATGTAGAGGCTATATTCATATTTGGGCTGCTTGTCTACCT[A>G]TAAAATTTACAAAAGTTAGCATTATATGGACAGTAACATTCATTATTTTCTTTTTCACAT-3'